The following is an entry in ClinVar:

ClinVar aggregate classification (germline): Uncertain significance (1 of 4 stars; one submission).

Conditions:
Generalized epilepsy-paroxysmal dyskinesia syndrome (PNKD3). Also called: Generalized epilepsy and paroxysmal dyskinesia; Paroxysmal nonkinesigenic dyskinesia, 3, with or without generalized epilepsy. Identifiers: Orphanet 79137, MedGen C5574945, MONDO:0012276, OMIM 609446.

Submission:

Labcorp Genetics (formerly Invitae), Labcorp
Classification: Uncertain significance for Generalized epilepsy-paroxysmal dyskinesia syndrome. Last evaluated: 2025-12-17. Review status: criteria provided, single submitter. Criteria: Invitae Variant Classification Sherloc (09022015). Collection method: clinical testing. Allele origin: germline.
Comment: This sequence change falls in intron 16 of the KCNMA1 gene. It does not directly change the encoded amino acid sequence of the KCNMA1 protein. It affects a nucleotide within the consensus splice site. This variant is not present in population databases (gnomAD no frequency). This variant has not been reported in the literature in individuals affected with KCNMA1-related conditions. Variants that disrupt the consensus splice site are a relatively common cause of aberrant splicing (PMID: 17576681, 9536098). Algorithms developed to predict the effect of sequence changes on RNA splicing suggest that this variant is not likely to affect RNA splicing. In summary, the available evidence is currently insufficient to determine the role of this variant in disease. Therefore, it has been classified as a Variant of Uncertain Significance.

Literature cited by the submitters: PubMed 17576681; PubMed 9536098.

NM_001161352.2(KCNMA1):c.1929-3C>T

Gene: KCNMA1 (potassium calcium-activated channel subfamily M alpha 1; minus strand). Cytogenetic location: 10q22.3.
Variant type: single nucleotide variant.
Coding change: c.1929-3C>T on transcript NM_001161352.2 (MANE Select); 3 bases into the intron before coding-DNA position 1929, C replaced by T.
Molecular consequence: intron variant.
Genome position (GRCh38, 1-based): chr10:77,019,102, G>A on the plus strand (C>T on the coding strand, the complement: KCNMA1 is on the minus strand). VCF-style: chr10-77019102-G-A. GRCh37 (hg19) VCF-style: chr10-78778860-G-A.
Other names: c.1779-3C>T (NM_001271518.2); c.1929-3C>T (NM_001322832.2, NM_001410940.1, NM_001437423.1 and 5 more transcripts); c.1941-3C>T (NM_001014797.3, NM_001322835.2, NM_001322830.2 and 1 more transcripts); c.1389-3C>T (NM_001322838.2); c.2061-3C>T (NM_001437422.1).
Identifiers: ClinVar variation 4711610 (VCV004711610.1).